The following is an entry in ClinVar:

NM_007198.4(PLPBP):c.626G>A (p.Cys209Tyr)

Gene: PLPBP (pyridoxal phosphate binding protein; plus strand). Cytogenetic location: 8p11.23.
Variant type: single nucleotide variant.
Coding change: c.626G>A on transcript NM_007198.4 (MANE Select); coding-DNA position 626, G replaced by A.
Protein change: p.Cys209Tyr; replaces cysteine 209 with tyrosine.
Molecular consequence: missense variant.
Genome position (GRCh38, 1-based): chr8:37,775,946, G>A. VCF-style: chr8-37775946-G-A. GRCh37 (hg19) VCF-style: chr8-37633464-G-A.
Other names: c.656G>A, p.Cys219Tyr (NM_001349346.2); c.620G>A, p.Cys207Tyr (NM_001349347.2); c.470G>A, p.Cys157Tyr (NM_001349348.2); short protein forms C209Y, C157Y, C219Y, C207Y.
Identifiers: ClinVar variation 2006138 (VCV002006138.4), dbSNP rs1803892650, ClinGen allele CA370668676.

ClinVar aggregate classification (germline): Uncertain significance (1 of 4 stars; one submission).

gnomAD v4.1: 3 of 1,613,940 alleles (0.00019%); highest among the groups gnomAD compares: East Asian, 0.0022%; no homozygotes.

Submission:

Labcorp Genetics (formerly Invitae), Labcorp
Classification: Uncertain significance. Last evaluated: 2022-10-03. Review status: criteria provided, single submitter. Criteria: Invitae Variant Classification Sherloc (09022015). Collection method: clinical testing. Allele origin: germline.
Comment: In summary, the available evidence is currently insufficient to determine the role of this variant in disease. Therefore, it has been classified as a Variant of Uncertain Significance. Advanced modeling of protein sequence and biophysical properties (such as structural, functional, and spatial information, amino acid conservation, physicochemical variation, residue mobility, and thermodynamic stability) has been performed at Invitae for this missense variant, however the output from this modeling did not meet the statistical confidence thresholds required to predict the impact of this variant on PROSC protein function. This variant has not been reported in the literature in individuals affected with PROSC-related conditions. This variant is not present in population databases (gnomAD no frequency). This sequence change replaces cysteine, which is neutral and slightly polar, with tyrosine, which is neutral and polar, at codon 209 of the PROSC protein (p.Cys209Tyr).